The following is an entry in ClinVar:

ClinVar aggregate classification (germline): Uncertain significance. Review status: criteria provided, multiple submitters, no conflicts (2 of 4 stars). 3 submissions from 3 submitters: Uncertain significance (3). Last evaluated 2025-10-23.

Conditions:
Hereditary nonpolyposis colorectal neoplasms. Identifiers: MedGen C0009405, MeSH D003123.
Hereditary cancer-predisposing syndrome. Also called: Hereditary Cancer Syndrome; Hereditary neoplastic syndrome; Tumor predisposition; Neoplastic Syndromes, Hereditary. Identifiers: Orphanet 140162, MedGen C0027672, MeSH D009386, MONDO:0015356.

Submissions (3):

Labcorp Genetics (formerly Invitae), Labcorp
Classification: Uncertain significance for Hereditary nonpolyposis colorectal neoplasms. Last evaluated: 2025-10-23. Review status: criteria provided, single submitter. Criteria: Invitae Variant Classification Sherloc (09022015). Collection method: clinical testing. Allele origin: germline.
Comment: This sequence change replaces proline, which is neutral and non-polar, with leucine, which is neutral and non-polar, at codon 148 of the PMS2 protein (p.Pro148Leu). This variant is not present in population databases (gnomAD no frequency). This variant has not been reported in the literature in individuals affected with PMS2-related conditions. ClinVar contains an entry for this variant (Variation ID: 3572138). Invitae Evidence Modeling incorporating data from in vitro experimental studies (internal data) indicates that this missense variant is not expected to disrupt PMS2 function with a negative predictive value of 95%. In summary, the available evidence is currently insufficient to determine the role of this variant in disease. Therefore, it has been classified as a Variant of Uncertain Significance.

Ambry Genetics
Classification: Uncertain significance for Hereditary cancer-predisposing syndrome. Last evaluated: 2025-07-15. Review status: criteria provided, single submitter. Criteria: Ambry Variant Classification Scheme 2023. Collection method: clinical testing. Allele origin: germline.
Comment: The p.P148L variant (also known as c.443C>T), located in coding exon 5 of the PMS2 gene, results from a C to T substitution at nucleotide position 443. The proline at codon 148 is replaced by leucine, an amino acid with similar properties. This amino acid position is highly conserved in available vertebrate species. In addition, the in silico prediction for this alteration is inconclusive. Based on the available evidence, the clinical significance of this variant remains unclear.

Quest Diagnostics Nichols Institute San Juan Capistrano
Classification: Uncertain significance. Last evaluated: 2024-02-23. Review status: criteria provided, single submitter. Criteria: Quest Diagnostics criteria. Collection method: clinical testing. Allele origin: unknown.
Comment: The PMS2 c.443C>T (p.Pro148Leu) variant has not been reported in individuals with PMS2-related conditions in the published literature. It also has not been reported in large, multi-ethnic general populations (Genome Aggregation Database). Analysis of this variant using bioinformatics tools for the prediction of the effect of amino acid changes on protein structure and function yielded predictions that this variant is damaging. Based on the available information, we are unable to determine the clinical significance of this variant.

NM_000535.7(PMS2):c.443C>T (p.Pro148Leu)

Gene: PMS2 (PMS1 homolog 2, mismatch repair system component; minus strand). Cytogenetic location: 7p22.1.
Variant type: single nucleotide variant.
Coding change: c.443C>T on transcript NM_000535.7 (MANE Select); coding-DNA position 443, C replaced by T.
Protein change: p.Pro148Leu; replaces proline 148 with leucine.
Molecular consequence: missense variant. On other transcripts: 5 prime UTR variant (2), non-coding transcript variant (1), intron variant (1).
Genome position (GRCh38, 1-based): chr7:6,002,547, G>A on the plus strand (C>T on the coding strand, the complement: PMS2 is on the minus strand). VCF-style: chr7-6002547-G-A. GRCh37 (hg19) VCF-style: chr7-6042178-G-A.
Other names: c.38C>T, p.Pro13Leu (NM_001322003.2, NM_001322004.2, NM_001322005.2 and 24 more transcripts); c.443C>T, p.Pro148Leu (NM_001322006.2, NM_001322014.2, NM_001406869.1 and 8 more transcripts); c.125C>T, p.Pro42Leu (NM_001322007.2, NM_001322008.2, NM_001406876.1 and 4 more transcripts); c.-442C>T (NM_001322011.2, NM_001322012.2); c.134C>T, p.Pro45Leu (NM_001322015.2, NM_001406875.1, NM_001406877.1 and 6 more transcripts); c.629C>T, p.Pro210Leu (NM_001406866.1); c.467C>T, p.Pro156Leu (NM_001406868.1); c.250+1425C>T (NM_001406885.1); short protein forms P156L, P148L, P210L, P42L, P45L, P13L.
Identifiers: ClinVar variation 3572138 (VCV003572138.4).